The following is an entry in ClinVar:

ClinVar aggregate classification (germline): Uncertain significance. Review status: criteria provided, multiple submitters, no conflicts (2 of 4 stars). 2 submissions from 2 submitters: Uncertain significance (2). Last evaluated 2024-05-06.

Conditions:
Marfan syndrome (MFS). Also called: MARFAN SYNDROME, TYPE I; Marfan syndrome type 1; Marfan's syndrome; Marfan syndrome, classic; FBN1-Related Marfan Syndrome. Identifiers: Orphanet 284963, Orphanet 558, MedGen C0024796, MONDO:0007947, OMIM 154700.
Familial thoracic aortic aneurysm and aortic dissection (TAAD). Also called: Thoracic aortic aneurysms and dissections. Identifiers: Orphanet 91387, MedGen C4707243, MONDO:0019625.

gnomAD v4.1: 2 of 1,614,216 alleles (0.00012%); highest among the groups gnomAD compares: Middle Eastern, 0.016%; no homozygotes.

Submissions (2):

Labcorp Genetics (formerly Invitae), Labcorp
Classification: Uncertain significance for Marfan syndrome; Familial thoracic aortic aneurysm and aortic dissection. Last evaluated: 2024-05-06. Review status: criteria provided, single submitter. Criteria: Invitae Variant Classification Sherloc (09022015). Collection method: clinical testing. Allele origin: germline.
Comment: This sequence change replaces glutamic acid, which is acidic and polar, with glycine, which is neutral and non-polar, at codon 1006 of the FBN1 protein (p.Glu1006Gly). This variant is not present in population databases (gnomAD no frequency). This variant has not been reported in the literature in individuals affected with FBN1-related conditions. Advanced modeling of protein sequence and biophysical properties (such as structural, functional, and spatial information, amino acid conservation, physicochemical variation, residue mobility, and thermodynamic stability) has been performed at Invitae for this missense variant, however the output from this modeling did not meet the statistical confidence thresholds required to predict the impact of this variant on FBN1 protein function. In summary, the available evidence is currently insufficient to determine the role of this variant in disease. Therefore, it has been classified as a Variant of Uncertain Significance.

Blueprint Genetics
Classification: Uncertain significance. Last evaluated: 2024-01-10. Review status: criteria provided, single submitter. Criteria: ACMG Guidelines, 2015. Collection method: clinical testing. Allele origin: germline.

NM_000138.5(FBN1):c.3017A>G (p.Glu1006Gly)

Gene: FBN1 (fibrillin 1; minus strand). Cytogenetic location: 15q21.1.
Variant type: single nucleotide variant.
Coding change: c.3017A>G on transcript NM_000138.5 (MANE Select); coding-DNA position 3017, A replaced by G.
Protein change: p.Glu1006Gly; replaces glutamic acid 1006 with glycine.
Molecular consequence: missense variant.
Genome position (GRCh38, 1-based): chr15:48,489,916, T>C on the plus strand (A>G on the coding strand, the complement: FBN1 is on the minus strand). VCF-style: chr15-48489916-T-C. GRCh37 (hg19) VCF-style: chr15-48782113-T-C.
Other names: c.3017A>G, p.Glu1006Gly (NM_001406716.1); short protein forms E1006G.
Identifiers: ClinVar variation 3760955 (VCV003760955.3).